The following is an entry in ClinVar:

ClinVar aggregate classification (germline): Uncertain significance. Review status: criteria provided, multiple submitters, no conflicts (2 of 4 stars). 2 submissions from 2 submitters: Uncertain significance (2). Last evaluated 2023-04-07.

Conditions:
Inborn genetic diseases. Identifiers: MedGen C0950123, MeSH D030342.

Allele frequency attached by ClinVar (database versions not stated): gnomAD exomes 0.00003 and 0.00005; ExAC 0.00005; ESP Exome Variant Server 0.00008; 1000 Genomes Project 30x 0.00016; 1000 Genomes Project 0.00020.
gnomAD v4.1: 58 of 1,612,206 alleles (0.0036%); highest among the groups gnomAD compares: Middle Eastern, 0.017%; no homozygotes.

Submissions (2):

Ambry Genetics
Classification: Uncertain significance for Inborn genetic diseases. Last evaluated: 2023-04-07. Review status: criteria provided, single submitter. Criteria: Ambry Variant Classification Scheme 2023. Collection method: clinical testing. Allele origin: germline.

Labcorp Genetics (formerly Invitae), Labcorp
Classification: Uncertain significance. Last evaluated: 2021-04-23. Review status: criteria provided, single submitter. Criteria: Invitae Variant Classification Sherloc (09022015). Collection method: clinical testing. Allele origin: germline.
Comment: In summary, the available evidence is currently insufficient to determine the role of this variant in disease. Therefore, it has been classified as a Variant of Uncertain Significance. Algorithms developed to predict the effect of missense changes on protein structure and function output the following: SIFT: "Deleterious"; PolyPhen-2: "Benign"; Align-GVGD: "Class C0". The glutamine amino acid residue is found in multiple mammalian species, suggesting that this missense change does not adversely affect protein function. These predictions have not been confirmed by published functional studies and their clinical significance is uncertain. This variant has not been reported in the literature in individuals with SLC34A1-related conditions. This variant is present in population databases (rs375460862, ExAC 0.02%). This sequence change replaces arginine with glutamine at codon 214 of the SLC34A1 protein (p.Arg214Gln). The arginine residue is highly conserved and there is a small physicochemical difference between arginine and glutamine.

NM_003052.5(SLC34A1):c.641G>A (p.Arg214Gln)

Gene: SLC34A1 (solute carrier family 34 member 1; plus strand). Cytogenetic location: 5q35.3.
Variant type: single nucleotide variant.
Coding change: c.641G>A on transcript NM_003052.5 (MANE Select); coding-DNA position 641, G replaced by A.
Protein change: p.Arg214Gln; replaces arginine 214 with glutamine.
Molecular consequence: missense variant.
Genome position (GRCh38, 1-based): chr5:177,387,870, G>A. VCF-style: chr5-177387870-G-A. GRCh37 (hg19) VCF-style: chr5-176814871-G-A.
Other names: c.641G>A, p.Arg214Gln (NM_001167579.2); c.641G>A (NM_003052.4); short protein forms R214Q.
Identifiers: ClinVar variation 1442032 (VCV001442032.8), dbSNP rs375460862, ClinGen allele CA3580460.